The following is an entry in ClinVar:

ClinVar aggregate classification (germline): Uncertain significance (1 of 4 stars; one submission).

gnomAD v4.1: 2 of 1,383,238 alleles (0.00014%); highest among the groups gnomAD compares: South Asian, 0.0016%; no homozygotes.

Submission:

Labcorp Genetics (formerly Invitae), Labcorp
Classification: Uncertain significance. Last evaluated: 2024-10-24. Review status: criteria provided, single submitter. Criteria: Invitae Variant Classification Sherloc (09022015). Collection method: clinical testing. Allele origin: germline.
Comment: This sequence change replaces alanine, which is neutral and non-polar, with serine, which is neutral and polar, at codon 1176 of the GRIN2D protein (p.Ala1176Ser). This variant is not present in population databases (gnomAD no frequency). This variant has not been reported in the literature in individuals affected with GRIN2D-related conditions. Invitae Evidence Modeling of protein sequence and biophysical properties (such as structural, functional, and spatial information, amino acid conservation, physicochemical variation, residue mobility, and thermodynamic stability) indicates that this missense variant is not expected to disrupt GRIN2D protein function with a negative predictive value of 95%. In summary, the available evidence is currently insufficient to determine the role of this variant in disease. Therefore, it has been classified as a Variant of Uncertain Significance.

NM_000836.4(GRIN2D):c.3526G>T (p.Ala1176Ser)

Gene: GRIN2D (glutamate ionotropic receptor NMDA type subunit 2D; plus strand). Cytogenetic location: 19q13.33.
Variant type: single nucleotide variant.
Coding change: c.3526G>T on transcript NM_000836.4 (MANE Select); coding-DNA position 3526, G replaced by T.
Protein change: p.Ala1176Ser; replaces alanine 1176 with serine.
Molecular consequence: missense variant.
Genome position (GRCh38, 1-based): chr19:48,443,452, G>T. VCF-style: chr19-48443452-G-T. GRCh37 (hg19) VCF-style: chr19-48946709-G-T.
Other names: short protein forms A1176S.
Identifiers: ClinVar variation 3636286 (VCV003636286.2).